The following is an entry in ClinVar:

NM_001130823.3(DNMT1):c.2243C>G (p.Ser748Cys)

Gene: DNMT1 (DNA methyltransferase 1; minus strand). Cytogenetic location: 19p13.2.
Variant type: single nucleotide variant.
Coding change: c.2243C>G on transcript NM_001130823.3 (MANE Select); coding-DNA position 2243, C replaced by G.
Protein change: p.Ser748Cys; replaces serine 748 with cysteine.
Molecular consequence: missense variant.
Genome position (GRCh38, 1-based): chr19:10,151,420, G>C on the plus strand (C>G on the coding strand, the complement: DNMT1 is on the minus strand). VCF-style: chr19-10151420-G-C. GRCh37 (hg19) VCF-style: chr19-10262096-G-C.
Other names: c.2195C>G, p.Ser732Cys (NM_001318730.2, NM_001379.4); c.1880C>G, p.Ser627Cys (NM_001318731.2); short protein forms S732C, S627C, S748C.
Identifiers: ClinVar variation 2833269 (VCV002833269.3), dbSNP rs2513813024, ClinGen allele CA403930510.
Genomic context (GRCh38, chr19:10,151,420, plus strand): 5'-ACATGGCAGTGAGCTGACCAAGGGGCTCCAAGGGTTACCTTGACGGCTTCTCCGACCCAA[G>C]AGATGCGATTCTTGTTCTGTTTCTTCTTCTTCCCCTGGTGCATTTTTTTGGGTGACGGCA-3'
Protein context (NP_001124295.1, residues 738-758): KKKKQNKNRI[Ser748Cys]WVGEAVKTDG

ClinVar aggregate classification (germline): Uncertain significance (1 of 4 stars; one submission).

Conditions:
Hereditary sensory neuropathy-deafness-dementia syndrome. Also called: NEUROPATHY, HEREDITARY SENSORY, WITH HEARING LOSS AND DEMENTIA; Hereditary sensory neuropathy type IE; Hereditary Sensory and Autonomic Neuropathy Type 1E (HSAN1E); HSN IE. Identifiers: Orphanet 456318, MedGen C3279885, MONDO:0013584, OMIM 614116.

Submission:

Labcorp Genetics (formerly Invitae), Labcorp
Classification: Uncertain significance for Hereditary sensory neuropathy-deafness-dementia syndrome. Last evaluated: 2023-02-03. Review status: criteria provided, single submitter. Criteria: Invitae Variant Classification Sherloc (09022015). Collection method: clinical testing. Allele origin: germline.
Comment: This sequence change replaces serine, which is neutral and polar, with cysteine, which is neutral and slightly polar, at codon 748 of the DNMT1 protein (p.Ser748Cys). This variant is not present in population databases (gnomAD no frequency). This variant has not been reported in the literature in individuals affected with DNMT1-related conditions. Advanced modeling of protein sequence and biophysical properties (such as structural, functional, and spatial information, amino acid conservation, physicochemical variation, residue mobility, and thermodynamic stability) performed at Invitae indicates that this missense variant is not expected to disrupt DNMT1 protein function. In summary, the available evidence is currently insufficient to determine the role of this variant in disease. Therefore, it has been classified as a Variant of Uncertain Significance.